The following is an entry in ClinVar:

NM_012388.4(BLOC1S6):c.508A>G (p.Lys170Glu)

Gene: BLOC1S6 (biogenesis of lysosomal organelles complex 1 subunit 6; plus strand). Cytogenetic location: 15q21.1.
Variant type: single nucleotide variant.
Coding change: c.508A>G on transcript NM_012388.4 (MANE Select); coding-DNA position 508, A replaced by G.
Protein change: p.Lys170Glu; replaces lysine 170 with glutamic acid.
Molecular consequence: missense variant. On other transcripts: 3 prime UTR variant (1), non-coding transcript variant (10).
Genome position (GRCh38, 1-based): chr15:45,606,503, A>G. VCF-style: chr15-45606503-A-G. GRCh37 (hg19) VCF-style: chr15-45898701-A-G.
Other names: c.508A>G (NM_012388.2); c.523A>G, p.Lys175Glu (NM_001311255.1); c.*159A>G (NM_001311256.1); short protein forms K170E, K175E.
Identifiers: ClinVar variation 1409122 (VCV001409122.4), dbSNP rs760751818, ClinGen allele CA7544395.

ClinVar aggregate classification (germline): Uncertain significance. Review status: criteria provided, multiple submitters, no conflicts (2 of 4 stars). 2 submissions from 2 submitters: Uncertain significance (2). Last evaluated 2023-11-28.

Conditions:
Inborn genetic diseases. Identifiers: MedGen C0950123, MeSH D030342.
Hermansky-Pudlak syndrome 9 (HPS9). Identifiers: Orphanet 280663, Orphanet 79430, MedGen C3280026, MONDO:0013606, OMIM 614171.

Allele frequency attached by ClinVar (database versions not stated): ExAC 0.00001; gnomAD 0.00001; gnomAD exomes 0.00001; TOPMed 0.00002.
gnomAD v4.1: 19 of 1,614,070 alleles (0.0012%); highest among the groups gnomAD compares: Middle Eastern, 0.033%; no homozygotes.

Submissions (2):

Ambry Genetics
Classification: Uncertain significance for Inborn genetic diseases. Last evaluated: 2023-11-28. Review status: criteria provided, single submitter. Criteria: Ambry Variant Classification Scheme 2023. Collection method: clinical testing. Allele origin: germline.

Labcorp Genetics (formerly Invitae), Labcorp
Classification: Uncertain significance for Hermansky-Pudlak syndrome 9. Last evaluated: 2022-07-19. Review status: criteria provided, single submitter. Criteria: Invitae Variant Classification Sherloc (09022015). Collection method: clinical testing. Allele origin: germline.
Comment: This sequence change replaces lysine, which is basic and polar, with glutamic acid, which is acidic and polar, at codon 170 of the BLOC1S6 protein (p.Lys170Glu). This variant is present in population databases (rs760751818, gnomAD 0.0009%). This variant has not been reported in the literature in individuals affected with BLOC1S6-related conditions. ClinVar contains an entry for this variant (Variation ID: 1409122). Algorithms developed to predict the effect of missense changes on protein structure and function are either unavailable or do not agree on the potential impact of this missense change (SIFT: "Deleterious"; PolyPhen-2: "Probably Damaging"; Align-GVGD: "Class C0"). In summary, the available evidence is currently insufficient to determine the role of this variant in disease. Therefore, it has been classified as a Variant of Uncertain Significance.